The following is an entry in ClinVar:

NM_000179.3(MSH6):c.3761A>G (p.Glu1254Gly)

Gene: MSH6 (mutS homolog 6; plus strand). Cytogenetic location: 2p16.3.
Variant type: single nucleotide variant.
Coding change: c.3761A>G on transcript NM_000179.3 (MANE Select); coding-DNA position 3761, A replaced by G.
Protein change: p.Glu1254Gly; replaces glutamic acid 1254 with glycine.
Molecular consequence: missense variant.
Genome position (GRCh38, 1-based): chr2:47,806,318, A>G. VCF-style: chr2-47806318-A-G. GRCh37 (hg19) VCF-style: chr2-48033457-A-G.
Other names: c.3371A>G, p.Glu1124Gly (NM_001281492.2); c.2855A>G, p.Glu952Gly (NM_001281493.2, NM_001281494.2); short protein forms E1124G, E1254G, E952G.
Identifiers: ClinVar variation 824174 (VCV000824174.4), dbSNP rs1572745077, ClinGen allele CA346761103.
Genomic context (GRCh38, chr2:47,806,318, plus strand): 5'-AACTTGCTGAGACTATAAAATGTCGTACATTATTTTCAACTCACTACCATTCATTAGTAG[A>G]AGATTATTCTCAAAATGTTGCTGTGCGCCTAGGACATATGGTATGTGCAAATTGTTTTTT-3'
Protein context (NP_000170.1, residues 1244-1264): LFSTHYHSLV[Glu1254Gly]DYSQNVAVRL

ClinVar aggregate classification (germline): Uncertain significance (1 of 4 stars; one submission).

Conditions:
Hereditary cancer-predisposing syndrome. Also called: Neoplastic Syndromes, Hereditary; Tumor predisposition; Hereditary neoplastic syndrome; Hereditary Cancer Syndrome. Identifiers: Orphanet 140162, MedGen C0027672, MeSH D009386, MONDO:0015356.

Submission:

Ambry Genetics
Classification: Uncertain significance for Hereditary cancer-predisposing syndrome. Last evaluated: 2019-06-06. Review status: criteria provided, single submitter. Criteria: Ambry Variant Classification Scheme 2023. Collection method: clinical testing. Allele origin: germline.
Comment: The p.E1254G variant (also known as c.3761A>G), located in coding exon 8 of the MSH6 gene, results from an A to G substitution at nucleotide position 3761. The glutamic acid at codon 1254 is replaced by glycine, an amino acid with similar properties. This amino acid position is well conserved in available vertebrate species. In addition, the in silico prediction for this alteration is inconclusive. In addition, the CoDP in silico tool predicts this alteration to likely have an impact on molecular function, with a score of 0.990 (Terui H et al. J. Biomed. Sci. 2013 Apr;20:25). Since supporting evidence is limited at this time, the clinical significance of this alteration remains unclear.